The following is an entry in ClinVar:

ClinVar aggregate classification (germline): Uncertain significance (1 of 4 stars; one submission).

Allele frequency attached by ClinVar (database versions not stated): gnomAD 0.00001; gnomAD exomes 0.00001 and 0.00002; ExAC 0.00002; TOPMed 0.00002; ESP Exome Variant Server 0.00008.
gnomAD v4.1: 28 of 1,614,050 alleles (0.0017%); highest among the groups gnomAD compares: Middle Eastern, 0.049%; no homozygotes.

Submission:

Labcorp Genetics (formerly Invitae), Labcorp
Classification: Uncertain significance. Last evaluated: 2025-11-24. Review status: criteria provided, single submitter. Criteria: Invitae Variant Classification Sherloc (09022015). Collection method: clinical testing. Allele origin: germline.
Comment: This sequence change replaces arginine, which is basic and polar, with cysteine, which is neutral and slightly polar, at codon 330 of the RNF13 protein (p.Arg330Cys). This variant is present in population databases (rs377044020, gnomAD 0.002%). This variant has not been reported in the literature in individuals affected with RNF13-related conditions. ClinVar contains an entry for this variant (Variation ID: 1497998). An algorithm developed to predict the effect of missense changes on protein structure and function (PolyPhen-2) suggests that this variant is likely to be tolerated. In summary, the available evidence is currently insufficient to determine the role of this variant in disease. Therefore, it has been classified as a Variant of Uncertain Significance.

NM_183381.3(RNF13):c.988C>T (p.Arg330Cys)

Gene: RNF13 (ring finger protein 13; plus strand). Cytogenetic location: 3q25.1.
Variant type: single nucleotide variant.
Coding change: c.988C>T on transcript NM_183381.3 (MANE Select); coding-DNA position 988, C replaced by T.
Protein change: p.Arg330Cys; replaces arginine 330 with cysteine.
Molecular consequence: missense variant. On other transcripts: non-coding transcript variant (1).
Genome position (GRCh38, 1-based): chr3:149,960,946, C>T. VCF-style: chr3-149960946-C-T. GRCh37 (hg19) VCF-style: chr3-149678733-C-T.
Other names: c.988C>T, p.Arg330Cys (NM_001378285.1, NM_001378286.1, NM_007282.4); c.631C>T, p.Arg211Cys (NM_001378287.1, NM_001378288.1, NM_001378289.1 and 2 more transcripts); c.595C>T, p.Arg199Cys (NM_001378291.1); short protein forms R211C, R199C, R330C.
Identifiers: ClinVar variation 1497998 (VCV001497998.8), dbSNP rs377044020, ClinGen allele CA2663139.
Genomic context (GRCh38, chr3:149,960,946, plus strand): 5'-CCTTTACTGAGACCTTTAGCTTCTGTCAGTGCCCAGTCATTTGGGGCTTTATCGGAATCC[C>T]GCTCACATCAGAACATGACAGAATCTTCAGACTATGAGGAAGACGACAATGAAGATACTG-3'
Protein context (NP_899237.1, residues 320-340): AQSFGALSES[Arg330Cys]SHQNMTESSD